The following is an entry in ClinVar:

ClinVar aggregate classification (germline): Uncertain significance (1 of 4 stars; one submission).

Conditions:
Hereditary cancer-predisposing syndrome. Also called: Tumor predisposition; Neoplastic Syndromes, Hereditary; Hereditary neoplastic syndrome; Hereditary Cancer Syndrome. Identifiers: Orphanet 140162, MedGen C0027672, MeSH D009386, MONDO:0015356.

Submission:

Ambry Genetics
Classification: Uncertain significance for Hereditary cancer-predisposing syndrome. Last evaluated: 2025-08-27. Review status: criteria provided, single submitter. Criteria: Ambry Variant Classification Scheme 2023. Collection method: clinical testing. Allele origin: germline.
Comment: The p.A21T variant (also known as c.61G>A), located in coding exon 2 of the MUTYH gene, results from a G to A substitution at nucleotide position 61. The alanine at codon 21 is replaced by threonine, an amino acid with similar properties. This amino acid position is conserved. In addition, this alteration is predicted to be tolerated by in silico analysis. Based on the available evidence, the clinical significance of this variant remains unclear.

NM_001048174.2(MUTYH):c.19G>A (p.Ala7Thr)

Gene: MUTYH (mutY DNA glycosylase; minus strand). Cytogenetic location: 1p34.1.
Variant type: single nucleotide variant.
Coding change: c.19G>A on transcript NM_001048174.2 (MANE Select); coding-DNA position 19, G replaced by A.
Protein change: p.Ala7Thr; replaces alanine 7 with threonine.
Molecular consequence: missense variant. On other transcripts: 5 prime UTR variant (7), non-coding transcript variant (7).
Genome position (GRCh38, 1-based): chr1:45,334,487, C>T on the plus strand (G>A on the coding strand, the complement: MUTYH is on the minus strand). VCF-style: chr1-45334487-C-T. GRCh37 (hg19) VCF-style: chr1-45800159-C-T.
Other names: c.19G>A, p.Ala7Thr (NM_001048171.2, NM_001048172.2, NM_001048173.2 and 15 more transcripts); c.61G>A, p.Ala21Thr (NM_001128425.2, NM_001293190.2, NM_001407069.1 and 2 more transcripts); c.-194G>A (NM_001293192.2, NM_001293196.2, NM_001407091.1); c.-253G>A (NM_001350650.2); c.-189G>A (NM_001350651.2, NM_001407082.1); c.-138G>A (NM_001407075.1); c.37G>A, p.Ala13Thr (NM_001407087.1); short protein forms A21T, A7T, A13T.
Identifiers: ClinVar variation 4112822 (VCV004112822.1).
Genomic context (GRCh38, chr1:45,334,487, plus strand): 5'-TAGCATGCTTCTGCCTCCCTTCCTGGCTGGCTGCCTGCTTCCTGTGACCACTTCCCACGG[C>T]TGCTCGTGGCTTCCTCATGATGGCCTGAAACAAAAAGACCCAGCCAAAGCAGTCAGTCAC-3'
Protein context (NP_001041639.1, residues 1-17): MRKPRA[Ala7Thr]VGSGHRKQAA